The following is an entry in ClinVar:

ClinVar aggregate classification (germline): Uncertain significance (1 of 4 stars; one submission).

Submission:

Women's Health and Genetics/Laboratory Corporation of America, LabCorp
Classification: Uncertain significance. Last evaluated: 2026-03-16. Review status: criteria provided, single submitter. Criteria: LabCorp Variant Classification Summary - May 2015. Collection method: clinical testing. Allele origin: germline.
Comment: Variant summary: NOTCH3 c.5992delC (p.Arg1998ValfsX14) results in a premature termination codon in the last exon not expected to elicit nonsense mediated decay (NMD), but predicted to cause a truncation of the encoded protein. The variant was absent in 247602 control chromosomes (gnomAD). The available data on variant occurrences in the general population are insufficient to allow any conclusion about variant significance. To our knowledge, no occurrence of c.5992delC in individuals affected with NOTCH3-related conditions and no experimental evidence demonstrating its impact on protein function have been reported. Truncations downstream are reported in individuals affected with (dominant) lateral meningocele syndrome, on the other hand, truncations upstream (but within the NMD escaping region) are also reported, however with varying phenotypes and inheritance (HGMD). No submitters have cited clinical-significance assessments for this variant to ClinVar. Based on the evidence outlined above, the variant was classified as VUS-possibly pathogenic.

NM_000435.3(NOTCH3):c.5992del (p.Arg1998fs)

Gene: NOTCH3 (notch receptor 3; minus strand). Cytogenetic location: 19p13.12.
Variant type: Deletion.
Coding change: c.5992del on transcript NM_000435.3 (MANE Select); coding-DNA position 5992, one base deleted (C; older notation c.5992delC).
Protein change: p.Arg1998fs; shifts the reading frame from arginine 1998.
Molecular consequence: frameshift variant.
Genome position (GRCh38, 1-based): chr19:15,161,636, G deleted on the plus strand (C on the coding strand, the reverse complement: NOTCH3 is on the minus strand); the first of 2 consecutive G bases (chr19:15,161,636-15,161,637); deleting either gives the same sequence. VCF-style (leftmost placement, unchanged base first): chr19-15161635-CG-C. GRCh37 (hg19) VCF-style: chr19-15272446-CG-C.
Other names: c.5992delC (NM_000435.3); short protein forms R1998fs.
Identifiers: ClinVar variation 4847185 (VCV004847185.1).